The following is an entry in ClinVar:

NM_022168.4(IFIH1):c.2356C>T (p.Leu786Phe)

Gene: IFIH1 (interferon induced with helicase C domain 1; minus strand). Cytogenetic location: 2q24.2.
Variant type: single nucleotide variant.
Coding change: c.2356C>T on transcript NM_022168.4 (MANE Select); coding-DNA position 2356, C replaced by T.
Protein change: p.Leu786Phe; replaces leucine 786 with phenylalanine.
Molecular consequence: missense variant.
Genome position (GRCh38, 1-based): chr2:162,273,893, G>A on the plus strand (C>T on the coding strand, the complement: IFIH1 is on the minus strand). VCF-style: chr2-162273893-G-A. GRCh37 (hg19) VCF-style: chr2-163130403-G-A.
Other names: short protein forms L786F.
Identifiers: ClinVar variation 1416867 (VCV001416867.8), dbSNP rs759911216, ClinGen allele CA1934215.
Genomic context (GRCh38, chr2:162,273,893, plus strand): 5'-GGATAACAATGTTACATTCTTTAATATCCAGACCTTCTTCTGCCACTGTGGTAGCGATAA[G>A]CAGATTTATTTTTCCAGTGCGAAATTTACTAATGACTTCTTTTTGTTCATTCTGTAGAAA-3'
Protein context (NP_071451.2, residues 776-796): SKFRTGKINL[Leu786Phe]IATTVAEEGL

ClinVar aggregate classification (germline): Uncertain significance (1 of 4 stars; one submission).

Conditions:
Singleton-Merten syndrome 1 (SGMRT1). Also called: Widened medullary cavities of bone, aortic calcification, abnormal dentition, and muscular weakness; Syndrome of widened medullary cavities of the metacarpals and phalanges, aortic calcification and abnormal dentition. Identifiers: Orphanet 85191, MedGen C4225427, MONDO:0024535, OMIM 182250.
Aicardi-Goutieres syndrome 7 (AGS7). Identifiers: Orphanet 51, MedGen C3888244, MONDO:0014367, OMIM 615846.

Allele frequency attached by ClinVar (database versions not stated): gnomAD 0.00001; gnomAD exomes 0.00001 and below 0.00001; TOPMed below 0.00001; ExAC 0.00001.

Submission:

Labcorp Genetics (formerly Invitae), Labcorp
Classification: Uncertain significance for Aicardi-Goutieres syndrome 7; Singleton-Merten syndrome 1. Last evaluated: 2023-11-20. Review status: criteria provided, single submitter. Criteria: Invitae Variant Classification Sherloc (09022015). Collection method: clinical testing. Allele origin: germline.
Comment: This sequence change replaces leucine, which is neutral and non-polar, with phenylalanine, which is neutral and non-polar, at codon 786 of the IFIH1 protein (p.Leu786Phe). This variant is present in population databases (rs759911216, gnomAD 0.005%). This variant has not been reported in the literature in individuals affected with IFIH1-related conditions. ClinVar contains an entry for this variant (Variation ID: 1416867). Advanced modeling of protein sequence and biophysical properties (such as structural, functional, and spatial information, amino acid conservation, physicochemical variation, residue mobility, and thermodynamic stability) has been performed at Invitae for this missense variant, however the output from this modeling did not meet the statistical confidence thresholds required to predict the impact of this variant on IFIH1 protein function. In summary, the available evidence is currently insufficient to determine the role of this variant in disease. Therefore, it has been classified as a Variant of Uncertain Significance.